The following is an entry in ClinVar:

NM_006267.5(RANBP2):c.2002G>A (p.Val668Met)

Gene: RANBP2 (RAN binding protein 2; plus strand). Cytogenetic location: 2q13.
Variant type: single nucleotide variant.
Coding change: c.2002G>A on transcript NM_006267.5 (MANE Select); coding-DNA position 2002, G replaced by A.
Protein change: p.Val668Met; replaces valine 668 with methionine.
Molecular consequence: missense variant.
Genome position (GRCh38, 1-based): chr2:108,753,510, G>A. VCF-style: chr2-108753510-G-A. GRCh37 (hg19) VCF-style: chr2-109369966-G-A.
Other names: short protein forms V668M.
Identifiers: ClinVar variation 1386706 (VCV001386706.7), dbSNP rs2433790, ClinGen allele CA1822506.

ClinVar aggregate classification (germline): Uncertain significance (1 of 4 stars; one submission).

Conditions:
Familial acute necrotizing encephalopathy (IIAE3). Also called: ENCEPHALOPATHY, ACUTE, INFECTION-INDUCED, SUSCEPTIBILITY TO, 3; Susceptibility to Acute Necrotizing Encephalopathy 1. Identifiers: Orphanet 88619, MedGen C2675556, MONDO:0011953, OMIM 608033.

Allele frequency attached by ClinVar (database versions not stated): TOPMed below 0.00001; gnomAD exomes 0.00001; ExAC 0.00003.

Submission:

Labcorp Genetics (formerly Invitae), Labcorp
Classification: Uncertain significance for Familial acute necrotizing encephalopathy. Last evaluated: 2025-09-05. Review status: criteria provided, single submitter. Criteria: Invitae Variant Classification Sherloc (09022015). Collection method: clinical testing. Allele origin: germline.
Comment: This sequence change replaces valine, which is neutral and non-polar, with methionine, which is neutral and non-polar, at codon 668 of the RANBP2 protein (p.Val668Met). The frequency data for this variant in the population databases is considered unreliable, as metrics indicate poor data quality at this position in the gnomAD database. This variant has not been reported in the literature in individuals affected with RANBP2-related conditions. ClinVar contains an entry for this variant (Variation ID: 1386706). An algorithm developed to predict the effect of missense changes on protein structure and function outputs the following: PolyPhen-2: "Benign". The methionine amino acid residue is found in multiple mammalian species, which suggests that this missense change does not adversely affect protein function. In summary, the available evidence is currently insufficient to determine the role of this variant in disease. Therefore, it has been classified as a Variant of Uncertain Significance.